The following is an entry in ClinVar:

ClinVar aggregate classification (germline): Likely benign (1 of 4 stars; one submission).

Submission:

CeGaT Center for Human Genetics Tuebingen
Classification: Likely benign. Last evaluated: 2025-09-01. Review status: criteria provided, single submitter. Criteria: CeGaT Center For Human Genetics Tuebingen Variant Classification Criteria Version 2. Collection method: clinical testing. Allele origin: germline. Affected: yes. Observed: 1 variant allele.
Comment: BRPF1: BP4

NM_001003694.2(BRPF1):c.2317G>A (p.Glu773Lys)

Gene: BRPF1 (bromodomain and PHD finger containing 1; plus strand). Cytogenetic location: 3p25.3.
Variant type: single nucleotide variant.
Coding change: c.2317G>A on transcript NM_001003694.2 (MANE Select); coding-DNA position 2317, G replaced by A.
Protein change: p.Glu773Lys; replaces glutamic acid 773 with lysine.
Molecular consequence: missense variant. On other transcripts: non-coding transcript variant (1).
Genome position (GRCh38, 1-based): chr3:9,743,583, G>A. VCF-style: chr3-9743583-G-A. GRCh37 (hg19) VCF-style: chr3-9785267-G-A.
Other names: c.2299G>A, p.Glu767Lys (NM_001319049.2, NM_001437892.1, NM_004634.3); c.2296G>A, p.Glu766Lys (NM_001319050.2, NM_001438342.1, NM_001438343.1 and 1 more transcripts); c.2314G>A, p.Glu772Lys (NM_001410704.1, NM_001438345.1); c.2317G>A, p.Glu773Lys (NM_001438344.1); short protein forms E766K, E767K, E772K, E773K.
Identifiers: ClinVar variation 4280863 (VCV004280863.7).